The following is an entry in ClinVar:

ClinVar aggregate classification (germline): Pathogenic (1 of 4 stars; one submission).

Conditions:
Joubert syndrome. Also called: CEREBELLOPARENCHYMAL DISORDER IV; JOUBERT-BOLTSHAUSER SYNDROME; Familial aplasia of the vermis. Identifiers: Orphanet 475, MedGen C5979921, MONDO:0018772.
Meckel-Gruber syndrome. Also called: DYSENCEPHALIA SPLANCHNOCYSTICA; GRUBER SYNDROME; Dysencephalia splachnocystica. Identifiers: Orphanet 564, MedGen C0265215, MONDO:0018921.

Submission:

Labcorp Genetics (formerly Invitae), Labcorp
Classification: Pathogenic for Joubert syndrome; Meckel-Gruber syndrome. Last evaluated: 2023-04-12. Review status: criteria provided, single submitter. Criteria: Invitae Variant Classification Sherloc (09022015). Collection method: clinical testing. Allele origin: unknown.
Comment: For these reasons, this variant has been classified as Pathogenic. This variant has not been reported in the literature in individuals affected with CC2D2A-related conditions. This variant is a gross deletion of the genomic region encompassing exon(s) 3-5 of the CC2D2A gene, which includes the initiator codon. This deletion extends beyond the assayed region for this gene and therefore may encompass additional genes. It is expected to result in an absent or disrupted protein product. Loss-of-function variants in CC2D2A are known to be pathogenic (PMID: 19777577).

Literature cited by the submitters: PubMed 19777577.

NC_000004.11:g.(?_15477557)_(15482471_?)del

Gene: CC2D2A (coiled-coil and C2 domain containing 2A; plus strand). Cytogenetic location: 4p15.32.
Variant type: Deletion.
Identifiers: ClinVar variation 3246612 (VCV003246612.1).